The following is an entry in ClinVar:

NM_001379500.1(COL18A1):c.2822C>T (p.Pro941Leu)

Genes: COL18A1 (collagen type XVIII alpha 1 chain; plus strand), SLC19A1 (solute carrier family 19 member 1; minus strand). Cytogenetic location: 21q22.3.
Variant type: single nucleotide variant.
Coding change: c.2822C>T on transcript NM_001379500.1 (MANE Select); coding-DNA position 2822, C replaced by T.
Protein change: p.Pro941Leu; replaces proline 941 with leucine.
Molecular consequence: missense variant.
Genome position (GRCh38, 1-based): chr21:45,504,510, C>T. VCF-style: chr21-45504510-C-T. GRCh37 (hg19) VCF-style: chr21-46924424-C-T.
Other names: NM_130445.2:c.2822C>T; c.3362C>T, p.Pro1121Leu (NM_030582.4); c.4067C>T, p.Pro1356Leu (NM_130444.3); short protein forms P941L, P1121L, P1356L.
Identifiers: ClinVar variation 1034560 (VCV001034560.8), dbSNP rs984834874, ClinGen allele CA321921216.
Genomic context (GRCh38, chr21:45,504,510, plus strand): 5'-AAGGCGAAAGGGGGGAGCCCGGGGGCGGCGGTTTCTTCGGCTCCAGCCTGCCCGGCCCCC[C>T]CGGCCCCCCAGGCCCCCCAGGCCCACGTGGCTACCCTGGGATTCCAGTAAGTCCCAGCCT-3'
Protein context (NP_001366429.1, residues 931-951): GFFGSSLPGP[Pro941Leu]GPPGPPGPRG

ClinVar aggregate classification (germline): Uncertain significance. Review status: criteria provided, multiple submitters, no conflicts (2 of 4 stars). 2 submissions from 2 submitters: Uncertain significance (2). Last evaluated 2025-11-10.

Conditions:
Inborn genetic diseases. Identifiers: MedGen C0950123, MeSH D030342.

Allele frequency attached by ClinVar (database versions not stated): TOPMed 0.00009; gnomAD 0.00043 and 0.00045.
gnomAD v4.1: 32 of 1,414,916 alleles (0.0023%); highest among the groups gnomAD compares: African/African-American, 0.083%; no homozygotes.

Submissions (2):

Labcorp Genetics (formerly Invitae), Labcorp
Classification: Uncertain significance. Last evaluated: 2025-11-10. Review status: criteria provided, single submitter. Criteria: Invitae Variant Classification Sherloc (09022015). Collection method: clinical testing. Allele origin: germline.
Comment: This sequence change replaces proline, which is neutral and non-polar, with leucine, which is neutral and non-polar, at codon 941 of the COL18A1 protein (p.Pro941Leu). The frequency data for this variant in the population databases is considered unreliable, as metrics indicate poor data quality at this position in the gnomAD database. This variant has not been reported in the literature in individuals affected with COL18A1-related conditions. ClinVar contains an entry for this variant (Variation ID: 1034560). Experimental studies and prediction algorithms are not available or were not evaluated, and the functional significance of this variant is currently unknown. In summary, the available evidence is currently insufficient to determine the role of this variant in disease. Therefore, it has been classified as a Variant of Uncertain Significance.

Ambry Genetics
Classification: Uncertain significance for Inborn genetic diseases. Last evaluated: 2025-03-14. Review status: criteria provided, single submitter. Criteria: Ambry Variant Classification Scheme 2023. Collection method: clinical testing. Allele origin: germline.